The following is an entry in ClinVar:

ClinVar aggregate classification (germline): Uncertain significance (1 of 4 stars; one submission).

Conditions:
Immunodeficiency 31B. Also called: STAT1 DEFICIENCY, AUTOSOMAL RECESSIVE; IMMUNODEFICIENCY 31B, MYCOBACTERIAL AND VIRAL INFECTIONS, AUTOSOMAL RECESSIVE. Identifiers: Orphanet 391311, MedGen C3151088, MONDO:0013427, OMIM 613796.
Autoimmune enteropathy and endocrinopathy - susceptibility to chronic infections syndrome. Also called: Immunodeficiency 31C, autosomal dominant; Immunodeficiency 31C. Identifiers: Orphanet 391487, MedGen C3279990, MONDO:0013599, OMIM 614162.
Mendelian susceptibility to mycobacterial diseases due to partial STAT1 deficiency. Also called: IMMUNODEFICIENCY 31A, MYCOBACTERIOSIS, AUTOSOMAL DOMINANT; STAT1 DEFICIENCY, AUTOSOMAL DOMINANT; Immunodeficiency 31a. Identifiers: Orphanet 319595, MedGen C4013950, MONDO:0013956, OMIM 614892.

Submission:

Labcorp Genetics (formerly Invitae), Labcorp
Classification: Uncertain significance for Mendelian susceptibility to mycobacterial diseases due to partial STAT1 deficiency; Immunodeficiency 31B; Autoimmune enteropathy and endocrinopathy - susceptibility to chronic infections syndrome. Last evaluated: 2024-10-29. Review status: criteria provided, single submitter. Criteria: Invitae Variant Classification Sherloc (09022015). Collection method: clinical testing. Allele origin: germline.
Comment: This sequence change replaces valine, which is neutral and non-polar, with leucine, which is neutral and non-polar, at codon 501 of the STAT1 protein (p.Val501Leu). This variant is not present in population databases (gnomAD no frequency). This variant has not been reported in the literature in individuals affected with STAT1-related conditions. An algorithm developed to predict the effect of missense changes on protein structure and function (PolyPhen-2) suggests that this variant is likely to be disruptive. In summary, the available evidence is currently insufficient to determine the role of this variant in disease. Therefore, it has been classified as a Variant of Uncertain Significance.

NM_007315.4(STAT1):c.1501G>C (p.Val501Leu)

Gene: STAT1 (signal transducer and activator of transcription 1; minus strand). Cytogenetic location: 2q32.2.
Variant type: single nucleotide variant.
Coding change: c.1501G>C on transcript NM_007315.4 (MANE Select); coding-DNA position 1501, G replaced by C.
Protein change: p.Val501Leu; replaces valine 501 with leucine.
Molecular consequence: missense variant.
Genome position (GRCh38, 1-based): chr2:190,982,464, C>G on the plus strand (G>C on the coding strand, the complement: STAT1 is on the minus strand). VCF-style: chr2-190982464-C-G. GRCh37 (hg19) VCF-style: chr2-191847190-C-G.
Other names: c.1441G>C, p.Val481Leu (NM_001384880.1); c.1507G>C, p.Val503Leu (NM_001384881.1, NM_001384884.1); c.1495G>C, p.Val499Leu (NM_001384882.1); c.1402G>C, p.Val468Leu (NM_001384883.1); c.1342G>C, p.Val448Leu (NM_001384885.1); c.1501G>C, p.Val501Leu (NM_001384886.1, NM_001384889.1, NM_139266.3); c.1408G>C, p.Val470Leu (NM_001384887.1); c.1471G>C, p.Val491Leu (NM_001384888.1); and 2 more; short protein forms V448L, V470L, V471L, V503L, V491L, V481L, V513L, V468L.
Identifiers: ClinVar variation 2950715 (VCV002950715.3), dbSNP rs2470442910, ClinGen allele CA349916754.